The following is an entry in ClinVar:

NM_001211.6(BUB1B):c.2267A>G (p.Glu756Gly)

Gene: BUB1B (BUB1 mitotic checkpoint serine/threonine kinase B; plus strand). Cytogenetic location: 15q15.1.
Variant type: single nucleotide variant.
Coding change: c.2267A>G on transcript NM_001211.6 (MANE Select); coding-DNA position 2267, A replaced by G.
Protein change: p.Glu756Gly; replaces glutamic acid 756 with glycine.
Molecular consequence: missense variant.
Genome position (GRCh38, 1-based): chr15:40,209,758, A>G. VCF-style: chr15-40209758-A-G. GRCh37 (hg19) VCF-style: chr15-40501959-A-G.
Other names: short protein forms E756G.
Identifiers: ClinVar variation 2585935 (VCV002585935.2), dbSNP rs750166019, ClinGen allele CA7475994.

ClinVar aggregate classification (germline): Uncertain significance (1 of 4 stars; one submission).

Conditions:
Inborn genetic diseases. Identifiers: MedGen C0950123, MeSH D030342.

gnomAD v4.1: 3 of 1,614,162 alleles (0.00019%); highest among the groups gnomAD compares: Non-Finnish European, 0.00025%; no homozygotes.

Submission:

Ambry Genetics
Classification: Uncertain significance for Inborn genetic diseases. Last evaluated: 2023-09-07. Review status: criteria provided, single submitter. Criteria: Ambry Variant Classification Scheme 2023. Collection method: clinical testing. Allele origin: germline.
Comment: The p.E756G variant (also known as c.2267A>G), located in coding exon 17 of the BUB1B gene, results from an A to G substitution at nucleotide position 2267. The glutamic acid at codon 756 is replaced by glycine, an amino acid with similar properties. This amino acid position is conserved. In addition, this alteration is predicted to be tolerated by in silico analysis. Since supporting evidence is limited at this time, the clinical significance of this alteration remains unclear.